The following is an entry in ClinVar:

NM_001099922.3(ALG13):c.2291A>G (p.Tyr764Cys)

Gene: ALG13 (ALG13 UDP-N-acetylglucosaminyltransferase subunit; plus strand). Cytogenetic location: Xq23.
Variant type: single nucleotide variant.
Coding change: c.2291A>G on transcript NM_001099922.3 (MANE Select); coding-DNA position 2291, A replaced by G.
Protein change: p.Tyr764Cys; replaces tyrosine 764 with cysteine.
Molecular consequence: missense variant. On other transcripts: non-coding transcript variant (1).
Genome position (GRCh38, 1-based): chrX:111,728,228, A>G. VCF-style: chrX-111728228-A-G. GRCh37 (hg19) VCF-style: chrX-110971456-A-G.
Other names: c.1979A>G, p.Tyr660Cys (NM_001257237.2, NM_001257230.2, NM_001257234.2); c.2291A>G, p.Tyr764Cys (NM_001324292.2); c.1805A>G, p.Tyr602Cys (NM_001324293.1); c.2057A>G, p.Tyr686Cys (NM_001257231.2); short protein forms Y660C, Y764C, Y602C, Y686C.
Identifiers: ClinVar variation 2013687 (VCV002013687.26), dbSNP rs2525972832, ClinGen allele CA414253709.

ClinVar aggregate classification (germline): Uncertain significance. Review status: criteria provided, multiple submitters, no conflicts (2 of 4 stars). 2 submissions from 2 submitters: Uncertain significance (2). Last evaluated 2023-06-01.

Conditions:
Developmental and epileptic encephalopathy, 36 (DEE36). Also called: Epileptic encephalopathy, early infantile, 36; Congenital disorder of glycosylation, type Is; ALG13-CDG. Identifiers: Orphanet 324422, MedGen C4317295, MONDO:0010472, OMIM 300884.

Submissions (2):

CeGaT Center for Human Genetics Tuebingen
Classification: Uncertain significance. Last evaluated: 2023-06-01. Review status: criteria provided, single submitter. Criteria: CeGaT Center For Human Genetics Tuebingen Variant Classification Criteria Version 2. Collection method: clinical testing. Allele origin: germline. Affected: yes. Observed: 1 variant allele.
Comment: ALG13: PM2, BP4

Labcorp Genetics (formerly Invitae), Labcorp
Classification: Uncertain significance for Developmental and epileptic encephalopathy, 36. Last evaluated: 2022-09-01. Review status: criteria provided, single submitter. Criteria: Invitae Variant Classification Sherloc (09022015). Collection method: clinical testing. Allele origin: germline.
Comment: This variant is not present in population databases (gnomAD no frequency). This sequence change replaces tyrosine, which is neutral and polar, with cysteine, which is neutral and slightly polar, at codon 764 of the ALG13 protein (p.Tyr764Cys). This variant has not been reported in the literature in individuals affected with ALG13-related conditions. Algorithms developed to predict the effect of missense changes on protein structure and function (SIFT, PolyPhen-2, Align-GVGD) all suggest that this variant is likely to be tolerated. In summary, the available evidence is currently insufficient to determine the role of this variant in disease. Therefore, it has been classified as a Variant of Uncertain Significance.